The following is an entry in ClinVar:

ClinVar aggregate classification (germline): Conflicting classifications of pathogenicity. Review status: criteria provided, conflicting classifications (1 of 4 stars). 5 submissions from 5 submitters: Uncertain significance (4); Likely benign (1). Last evaluated 2026-01-13.

Conditions:
Inborn genetic diseases. Identifiers: MedGen C0950123, MeSH D030342.
Infantile neuroaxonal dystrophy (NBIA2A). Also called: SEITELBERGER DISEASE; NEURODEGENERATION WITH BRAIN IRON ACCUMULATION 2A; Infantile neuroaxonal dystrophy 1. Identifiers: Orphanet 35069, MedGen C0270724, MONDO:0024457, OMIM 256600.

Allele frequency attached by ClinVar (database versions not stated): ExAC 0.00013; TOPMed 0.00017; gnomAD 0.00020; ESP Exome Variant Server 0.00046.
gnomAD v4.1: 188 of 1,613,852 alleles (0.012%); highest among the groups gnomAD compares: Middle Eastern, 0.082%; no homozygotes.

Submissions (5):

Labcorp Genetics (formerly Invitae), Labcorp
Classification: Likely benign for Infantile neuroaxonal dystrophy. Last evaluated: 2026-01-13. Review status: criteria provided, single submitter. Criteria: Invitae Variant Classification Sherloc (09022015). Collection method: clinical testing. Allele origin: germline.

Ambry Genetics
Classification: Uncertain significance for Inborn genetic diseases. Last evaluated: 2025-07-01. Review status: criteria provided, single submitter. Criteria: Ambry Variant Classification Scheme 2023. Collection method: clinical testing. Allele origin: germline.
Comment: The c.710G>A (p.R237H) alteration is located in exon 5 (coding exon 4) of the PLA2G6 gene. This alteration results from a G to A substitution at nucleotide position 710, causing the arginine (R) at amino acid position 237 to be replaced by a histidine (H). Based on data from gnomAD, the A allele has an overall frequency of 0.015% (42/282222) total alleles studied. The highest observed frequency was 0.087% (9/10358) of Ashkenazi Jewish alleles. Based on insufficient or conflicting evidence, the clinical significance of this alteration remains unclear.

Blueprint Genetics
Classification: Uncertain significance. Last evaluated: 2024-07-19. Review status: criteria provided, single submitter. Criteria: ACMG Guidelines, 2015. Collection method: clinical testing. Allele origin: germline.

GeneDx
Classification: Uncertain significance. Last evaluated: 2022-10-05. Review status: criteria provided, single submitter. Criteria: GeneDx Variant Classification Process June 2021. Collection method: clinical testing. Allele origin: germline. Affected: yes.
Comment: Has not been previously published as pathogenic or benign to our knowledge; In silico analysis supports that this missense variant does not alter protein structure/function

Mayo Clinic Laboratories, Mayo Clinic
Classification: Uncertain significance. Last evaluated: 2022-01-20. Review status: criteria provided, single submitter. Criteria: ACMG Guidelines, 2015. Collection method: clinical testing. Allele origin: germline. Observed: 1 variant allele.
Comment: PM2

NM_003560.4(PLA2G6):c.710G>A (p.Arg237His)

Gene: PLA2G6 (phospholipase A2 group VI; minus strand). Cytogenetic location: 22q13.1.
Variant type: single nucleotide variant.
Coding change: c.710G>A on transcript NM_003560.4 (MANE Select); coding-DNA position 710, G replaced by A.
Protein change: p.Arg237His; replaces arginine 237 with histidine.
Molecular consequence: missense variant. On other transcripts: intron variant (1).
Genome position (GRCh38, 1-based): chr22:38,140,069, C>T on the plus strand (G>A on the coding strand, the complement: PLA2G6 is on the minus strand). VCF-style: chr22-38140069-C-T. GRCh37 (hg19) VCF-style: chr22-38536076-C-T.
Other names: p.Arg237His; c.710G>A (NM_003560.3); c.710G>A, p.Arg237His (NM_001004426.3, NM_001199562.3, NM_001349864.2 and 2 more transcripts); c.176G>A, p.Arg59His (NM_001349867.2, NM_001349869.2); c.119+3036G>A (NM_001349868.2); short protein forms R237H, R59H.
Identifiers: ClinVar variation 1708934 (VCV001708934.11), dbSNP rs147066967, ClinGen allele CA10231186.